The following is an entry in ClinVar:

NM_000206.3(IL2RG):c.556T>G (p.Leu186Val)

Gene: IL2RG (interleukin 2 receptor subunit gamma; minus strand). Cytogenetic location: Xq13.1.
Variant type: single nucleotide variant.
Coding change: c.556T>G on transcript NM_000206.3 (MANE Select); coding-DNA position 556, T replaced by G.
Protein change: p.Leu186Val; replaces leucine 186 with valine.
Molecular consequence: missense variant.
Genome position (GRCh38, 1-based): chrX:71,110,194, A>C on the plus strand (T>G on the coding strand, the complement: IL2RG is on the minus strand). VCF-style: chrX-71110194-A-C. GRCh37 (hg19) VCF-style: chrX-70330044-A-C.
Other names: short protein forms L186V.
Identifiers: ClinVar variation 942908 (VCV000942908.12), dbSNP rs1482339326, ClinGen allele CA413496278.
Genomic context (GRCh38, chrX:71,110,194, plus strand): 5'-ATTCACGTCCCTAGTCACTCACAGTCCAGCTGTGGTCCCAGTCAGTCCGGTACTGCACCA[A>C]GTGCTCCAAACAGTGGTTCAAGAATCTGTTGTTCCAGTTCAGTTCTAGCTGGGATTCACT-3'
Protein context (NP_000197.1, residues 176-196): NRFLNHCLEH[Leu186Val]VQYRTDWDHS

ClinVar aggregate classification (germline): Uncertain significance. Review status: criteria provided, single submitter (1 of 4 stars). 2 submissions from 2 submitters: Uncertain significance (1). 1 of the submissions does not count toward it. Last evaluated 2019-06-15.

Conditions:
X-linked severe combined immunodeficiency (SCIDX1). Also called: X-Linked Combined Immunodeficiency Diseases; IMMUNODEFICIENCY 4; SCID, X-LINKED; SEVERE COMBINED IMMUNODEFICIENCY, X-LINKED, T CELL-NEGATIVE, B CELL-POSITIVE, NK CELL-NEGATIVE; T-B+ severe combined immunodeficiency due to gamma chain deficiency. Identifiers: Orphanet 276, MedGen C6022468, MONDO:0010315, OMIM 300400. Disease mechanism: loss of function.

Allele frequency attached by ClinVar (database versions not stated): gnomAD 0.00001; gnomAD exomes 0.00001.

Submissions (2):

Labcorp Genetics (formerly Invitae), Labcorp
Classification: Uncertain significance for X-linked severe combined immunodeficiency. Last evaluated: 2019-06-15. Review status: criteria provided, single submitter. Criteria: Invitae Variant Classification Sherloc (09022015). Collection method: clinical testing. Allele origin: germline.
Comment: In summary, the available evidence is currently insufficient to determine the role of this variant in disease. Therefore, it has been classified as a Variant of Uncertain Significance. Algorithms developed to predict the effect of missense changes on protein structure and function (SIFT, PolyPhen-2, Align-GVGD) all suggest that this variant is likely to be tolerated, but these predictions have not been confirmed by published functional studies and their clinical significance is uncertain. This variant has not been reported in the literature in individuals with IL2RG-related conditions. This variant is not present in population databases (ExAC no frequency). This sequence change replaces leucine with valine at codon 186 of the IL2RG protein (p.Leu186Val). The leucine residue is moderately conserved and there is a small physicochemical difference between leucine and valine.

Natera, Inc.
Classification: Uncertain significance for X-linked severe combined immunodeficiency. Last evaluated: 2020-08-01. Review status: no assertion criteria provided. Collection method: clinical testing. Allele origin: germline. Not counted in ClinVar's aggregate classification.